The following is an entry in ClinVar:

NM_003664.5(AP3B1):c.2900A>G (p.Lys967Arg)

Gene: AP3B1 (adaptor related protein complex 3 subunit beta 1; minus strand). Cytogenetic location: 5q14.1.
Variant type: single nucleotide variant.
Coding change: c.2900A>G on transcript NM_003664.5 (MANE Select); coding-DNA position 2900, A replaced by G.
Protein change: p.Lys967Arg; replaces lysine 967 with arginine.
Molecular consequence: missense variant.
Genome position (GRCh38, 1-based): chr5:78,020,784, T>C on the plus strand (A>G on the coding strand, the complement: AP3B1 is on the minus strand). VCF-style: chr5-78020784-T-C. GRCh37 (hg19) VCF-style: chr5-77316608-T-C.
Other names: c.2753A>G, p.Lys918Arg (NM_001271769.2); short protein forms K967R, K918R.
Identifiers: ClinVar variation 645000 (VCV000645000.6), dbSNP rs766616397, ClinGen allele CA3316622.

ClinVar aggregate classification (germline): Uncertain significance (1 of 4 stars; one submission).

Conditions:
Hermansky-Pudlak syndrome 2 (HPS2). Also called: Platelet defects and oculocutaneous albinism. Identifiers: Orphanet 183678, Orphanet 79430, MedGen C1842362, MONDO:0011997, OMIM 608233.

Allele frequency attached by ClinVar (database versions not stated): gnomAD exomes 0.00001; ExAC 0.00003; TOPMed 0.00003; gnomAD 0.00007 and 0.00009.
gnomAD v4.1: 21 of 1,610,488 alleles (0.0013%); highest among the groups gnomAD compares: African/African-American, 0.019%; no homozygotes.

Submission:

Labcorp Genetics (formerly Invitae), Labcorp
Classification: Uncertain significance for Hermansky-Pudlak syndrome 2. Last evaluated: 2021-08-20. Review status: criteria provided, single submitter. Criteria: Invitae Variant Classification Sherloc (09022015). Collection method: clinical testing. Allele origin: germline.
Comment: This sequence change replaces lysine with arginine at codon 967 of the AP3B1 protein (p.Lys967Arg). The lysine residue is moderately conserved and there is a small physicochemical difference between lysine and arginine. This variant is present in population databases (rs766616397, ExAC 0.01%). This variant has not been reported in the literature in individuals affected with AP3B1-related conditions. Algorithms developed to predict the effect of missense changes on protein structure and function (SIFT, PolyPhen-2, Align-GVGD) all suggest that this variant is likely to be tolerated. Algorithms developed to predict the effect of sequence changes on RNA splicing suggest that this variant may create or strengthen a splice site. In summary, the available evidence is currently insufficient to determine the role of this variant in disease. Therefore, it has been classified as a Variant of Uncertain Significance.